The following is an entry in ClinVar:

NM_001286577.2(C2CD3):c.4721T>C (p.Met1574Thr)

Gene: C2CD3 (C2 domain containing 3 centriole elongation regulator; minus strand). Cytogenetic location: 11q13.4.
Variant type: single nucleotide variant.
Coding change: c.4721T>C on transcript NM_001286577.2 (MANE Select); coding-DNA position 4721, T replaced by C.
Protein change: p.Met1574Thr; replaces methionine 1574 with threonine.
Molecular consequence: missense variant.
Genome position (GRCh38, 1-based): chr11:74,074,483, A>G on the plus strand (T>C on the coding strand, the complement: C2CD3 is on the minus strand). VCF-style: chr11-74074483-A-G. GRCh37 (hg19) VCF-style: chr11-73785528-A-G.
Other names: c.4721T>C, p.Met1574Thr (NM_015531.6); short protein forms M1574T.
Identifiers: ClinVar variation 2187237 (VCV002187237.4), dbSNP rs1954942376, ClinGen allele CA381815541.
Genomic context (GRCh38, chr11:74,074,483, plus strand): 5'-AGCTGGACCTCATCATTCCTTCTGGGGAGCTGCTCAGACTCACTGTGGCTGCTGCAGTCC[A>G]TGGAGTCCAGCTCATGAGTGGGCTCAAGGTGTGAGGAAAGAGAGGAAAGAACCACATGAA-3'
Protein context (NP_001273506.1, residues 1564-1584): HLEPTHELDS[Met1574Thr]DCSSHSESEQ

ClinVar aggregate classification (germline): Uncertain significance (1 of 4 stars; one submission).

Allele frequency attached by ClinVar (database versions not stated): gnomAD exomes 0.00001.

Submission:

Labcorp Genetics (formerly Invitae), Labcorp
Classification: Uncertain significance. Last evaluated: 2022-03-04. Review status: criteria provided, single submitter. Criteria: Invitae Variant Classification Sherloc (09022015). Collection method: clinical testing. Allele origin: germline.
Comment: In summary, the available evidence is currently insufficient to determine the role of this variant in disease. Therefore, it has been classified as a Variant of Uncertain Significance. Algorithms developed to predict the effect of missense changes on protein structure and function output the following: SIFT: "Tolerated"; PolyPhen-2: "Benign"; Align-GVGD: "Class C0". The threonine amino acid residue is found in multiple mammalian species, which suggests that this missense change does not adversely affect protein function. This variant has not been reported in the literature in individuals affected with C2CD3-related conditions. This variant is not present in population databases (gnomAD no frequency). This sequence change replaces methionine, which is neutral and non-polar, with threonine, which is neutral and polar, at codon 1574 of the C2CD3 protein (p.Met1574Thr).